The following is an entry in ClinVar:

ClinVar aggregate classification (germline): Pathogenic. Review status: criteria provided, single submitter (1 of 4 stars). 2 submissions from 2 submitters: Pathogenic (1). 1 of the submissions does not count toward it. Last evaluated 2023-07-17.

Conditions:
46,XY sex reversal 6. Also called: 46,XY SEX REVERSAL, PARTIAL OR COMPLETE, MAP3K1-RELATED; 46,XY GONADAL DYSGENESIS, PARTIAL OR COMPLETE, MAP3K1-RELATED. Identifiers: MedGen C3151064, MONDO:0013410, OMIM 613762.

Submissions (2):

Victorian Clinical Genetics Services, Murdoch Childrens Research Institute
Classification: Pathogenic for 46,XY sex reversal 6. Last evaluated: 2023-07-17. Review status: criteria provided, single submitter. Criteria: ACMG Guidelines, 2015. Collection method: clinical testing. Allele origin: germline. Inheritance: Autosomal dominant inheritance. Affected: yes.
Comment: Based on the classification scheme VCGS_Germline_v1.3.4, this variant is classified as Pathogenic. Following criteria are met: 0101 - Gain of function is a known mechanism of disease in this gene and is associated with 46,XY sex reversal 6 (MIM#613762) (PMIDs: 21129722, 24135036, 30608580). (I) 0107 - This gene is associated with autosomal dominant disease. However, it is sex-limited in that only 46XY individuals are affected (GeneReviews). (I) 0115 - Variants in this gene are known to have variable expressivity. Intra- and inter-familial variability have been reported (PMIDs: 27899157, 12476449, 21129722). (I) 0210 - Splice site variant proven to affect splicing of the transcript with a known effect on protein sequence. RNA analysis from affected individuals demonstrated presence of an aberrant transcript containing an insertion of 6bp, predicted to result in p.(Val211_Val212insIleGln) (PMID: 21129722). (SP) 0251 - This variant is heterozygous. (I) 0301 - Variant is absent from gnomAD (both v2 and v3). (SP) 0600 - Variant is located in the annotated GEF domain (PMID: 30608580). (I) 0803 - This variant has limited previous evidence of pathogenicity in an unrelated individual. It has been identified in a large multi-generational French family (PMID: 21129722). (SP) 0901 - This variant has strong evidence for segregation with disease. Five heterozygous affected individuals were identified in a large multi-generational family. The other affecteds were not genotyped (PMID: 21129722). (SP) 1208 - Inheritance information for this variant is not currently available in this individual. (I) Legend: (SP) - Supporting pathogenic, (I) - Information, (SB) - Supporting benign

OMIM
Classification: Pathogenic for 46,XY SEX REVERSAL 6. Last evaluated: 2010-12-10. Review status: no assertion criteria provided. Collection method: literature only. Allele origin: germline. Not counted in ClinVar's aggregate classification.

Literature cited by the submitters: PubMed 12476449 (cited by Victorian Clinical Genetics Services, Murdoch Childrens Research Institute and OMIM); PubMed 21129722 (cited by Victorian Clinical Genetics Services, Murdoch Childrens Research Institute and OMIM); PubMed 24135036 (cited by Victorian Clinical Genetics Services, Murdoch Childrens Research Institute); PubMed 27899157 (cited by Victorian Clinical Genetics Services, Murdoch Childrens Research Institute); PubMed 30608580 (cited by Victorian Clinical Genetics Services, Murdoch Childrens Research Institute).

NM_005921.2(MAP3K1):c.634-8T>A

Gene: MAP3K1 (mitogen-activated protein kinase kinase kinase 1; plus strand). Cytogenetic location: 5q11.2.
Variant type: single nucleotide variant.
Coding change: c.634-8T>A on transcript NM_005921.2 (MANE Select); 8 bases into the intron before coding-DNA position 634, T replaced by A.
Molecular consequence: intron variant.
Genome position (GRCh38, 1-based): chr5:56,859,707, T>A. VCF-style: chr5-56859707-T-A. GRCh37 (hg19) VCF-style: chr5-56155534-T-A.
Other names: IVS2AS, T-A, -8.
Identifiers: ClinVar variation 30144 (VCV000030144.2), dbSNP rs1131692053, ClinGen allele CA444391585.